The following is an entry in ClinVar:

NM_207352.4(CYP4V2):c.967G>A (p.Val323Ile)

Gene: CYP4V2 (cytochrome P450 family 4 subfamily V member 2; plus strand). Cytogenetic location: 4q35.2.
Variant type: single nucleotide variant.
Coding change: c.967G>A on transcript NM_207352.4 (MANE Select); coding-DNA position 967, G replaced by A.
Protein change: p.Val323Ile; replaces valine 323 with isoleucine.
Molecular consequence: missense variant.
Genome position (GRCh38, 1-based): chr4:186,201,322, G>A. VCF-style: chr4-186201322-G-A. GRCh37 (hg19) VCF-style: chr4-187122476-G-A.
Other names: short protein forms V323I.
Identifiers: ClinVar variation 1523999 (VCV001523999.6), dbSNP rs2126589752, ClinGen allele CA358948609.

ClinVar aggregate classification (germline): Uncertain significance (1 of 4 stars; one submission).

Submission:

Labcorp Genetics (formerly Invitae), Labcorp
Classification: Uncertain significance. Last evaluated: 2022-08-10. Review status: criteria provided, single submitter. Criteria: Invitae Variant Classification Sherloc (09022015). Collection method: clinical testing. Allele origin: germline.
Comment: In summary, the available evidence is currently insufficient to determine the role of this variant in disease. Therefore, it has been classified as a Variant of Uncertain Significance. Algorithms developed to predict the effect of missense changes on protein structure and function are either unavailable or do not agree on the potential impact of this missense change (SIFT: "Deleterious"; PolyPhen-2: "Probably Damaging"; Align-GVGD: "Class C0"). ClinVar contains an entry for this variant (Variation ID: 1523999). This variant has not been reported in the literature in individuals affected with CYP4V2-related conditions. This variant is not present in population databases (gnomAD no frequency). This sequence change replaces valine, which is neutral and non-polar, with isoleucine, which is neutral and non-polar, at codon 323 of the CYP4V2 protein (p.Val323Ile).